The following is an entry in ClinVar:

ClinVar aggregate classification (germline): Uncertain significance. Review status: criteria provided, multiple submitters, no conflicts (2 of 4 stars). 2 submissions from 2 submitters: Uncertain significance (2). Last evaluated 2024-08-14.

Conditions:
Pitt-Hopkins-like syndrome 2 (PTHSL2). Identifiers: Orphanet 221150, Orphanet 600663, MedGen C3280479, MONDO:0013690, OMIM 614325.

Allele frequency attached by ClinVar (database versions not stated): gnomAD exomes 0.00001.
gnomAD v4.1: 9 of 1,614,026 alleles (0.00056%); highest among the groups gnomAD compares: South Asian, 0.0099%; no homozygotes.

Submissions (2):

Labcorp Genetics (formerly Invitae), Labcorp
Classification: Uncertain significance for Pitt-Hopkins-like syndrome 2. Last evaluated: 2024-08-14. Review status: criteria provided, single submitter. Criteria: Invitae Variant Classification Sherloc (09022015). Collection method: clinical testing. Allele origin: germline.
Comment: This sequence change replaces threonine, which is neutral and polar, with asparagine, which is neutral and polar, at codon 1395 of the NRXN1 protein (p.Thr1395Asn). This variant is present in population databases (no rsID available, gnomAD 0.006%). This variant has not been reported in the literature in individuals affected with NRXN1-related conditions. ClinVar contains an entry for this variant (Variation ID: 2446240). Invitae Evidence Modeling of protein sequence and biophysical properties (such as structural, functional, and spatial information, amino acid conservation, physicochemical variation, residue mobility, and thermodynamic stability) indicates that this missense variant is not expected to disrupt NRXN1 protein function with a negative predictive value of 80%. In summary, the available evidence is currently insufficient to determine the role of this variant in disease. Therefore, it has been classified as a Variant of Uncertain Significance.

GeneDx
Classification: Uncertain significance. Last evaluated: 2022-09-22. Review status: criteria provided, single submitter. Criteria: GeneDx Variant Classification Process June 2021. Collection method: clinical testing. Allele origin: germline. Affected: yes.
Comment: In silico analysis supports that this missense variant has a deleterious effect on protein structure/function; Missense variant in a gene in which most reported pathogenic variants are truncating/loss of function; Has not been previously published as pathogenic or benign to our knowledge

NM_001330078.2(NRXN1):c.4064C>A (p.Thr1355Asn)

Gene: NRXN1 (neurexin 1; minus strand). Cytogenetic location: 2p16.3.
Variant type: single nucleotide variant.
Coding change: c.4064C>A on transcript NM_001330078.2 (MANE Select); coding-DNA position 4064, C replaced by A.
Protein change: p.Thr1355Asn; replaces threonine 1355 with asparagine.
Molecular consequence: missense variant.
Genome position (GRCh38, 1-based): chr2:50,053,335, G>T on the plus strand (C>A on the coding strand, the complement: NRXN1 is on the minus strand). VCF-style: chr2-50053335-G-T. GRCh37 (hg19) VCF-style: chr2-50280473-G-T.
Other names: c.4184C>A, p.Thr1395Asn (NM_001135659.3); c.4040C>A, p.Thr1347Asn (NM_001330077.2, NM_001330082.2); c.3908C>A, p.Thr1303Asn (NM_001330083.2); c.3998C>A, p.Thr1333Asn (NM_001330084.2); c.4037C>A, p.Thr1346Asn (NM_001330085.2); c.4064C>A, p.Thr1355Asn (NM_001330086.2); c.3863C>A, p.Thr1288Asn (NM_001330087.2, NM_001330096.2); c.3893C>A, p.Thr1298Asn (NM_001330088.2); and 6 more; short protein forms T1288N, T1298N, T1303N, T1308N, T1325N, T1333N, T1346N, T1347N.
Identifiers: ClinVar variation 2446240 (VCV002446240.3), dbSNP rs1010608821, ClinGen allele CA47835467.